The following is an entry in ClinVar:

ClinVar aggregate classification (germline): Uncertain significance (0 of 4 stars; one submission).

Conditions:
Prostate cancer. Also called: Malignant tumor of prostate. Identifiers: Orphanet 1331, MedGen C0376358, MONDO:0008315, HP:0012125.

Submission:

Science for Life laboratory,  Karolinska Institutet
Classification: Uncertain significance for Malignant tumor of prostate. Review status: no assertion criteria provided. Collection method: not provided. Allele origin: somatic.
Comment: TumorID:SWE-15
ClinVar note: Converted during submission from Unknown to Uncertain significance.

NM_000876.4(IGF2R):c.3670+2T>C

Gene: IGF2R (insulin like growth factor 2 receptor; plus strand). Cytogenetic location: 6q25.3.
Variant type: single nucleotide variant.
Coding change: c.3670+2T>C on transcript NM_000876.4 (MANE Select); the canonical splice donor site of the intron after coding-DNA position 3670, T replaced by C.
Molecular consequence: splice donor variant.
Genome position (GRCh38, 1-based): chr6:160,062,621, T>C. VCF-style: chr6-160062621-T-C. GRCh37 (hg19) VCF-style: chr6-160483653-T-C.
Identifiers: ClinVar variation 161474 (VCV000161474.2), dbSNP rs193920850, ClinGen allele CA174103.
Genomic context (GRCh38, chr6:160,062,621, plus strand): 5'-TTGTGAGTACGTGTTTATCTGGAGAACTGTGGAAGCCTGTCCCGTTGTCAGAGTGGAAGG[T>C]AGGACTGGGCCTGTCCCTACAAGTCATTTTAAATGTATAGAGTAGCAGACGTTCTGAACG-3'